The following is an entry in ClinVar:

NM_005228.5(EGFR):c.815C>G (p.Pro272Arg)

Gene: EGFR (epidermal growth factor receptor; plus strand). Cytogenetic location: 7p11.2.
Variant type: single nucleotide variant.
Coding change: c.815C>G on transcript NM_005228.5 (MANE Select); coding-DNA position 815, C replaced by G.
Protein change: p.Pro272Arg; replaces proline 272 with arginine.
Molecular consequence: missense variant. On other transcripts: intron variant (1).
Genome position (GRCh38, 1-based): chr7:55,154,078, C>G. VCF-style: chr7-55154078-C-G. GRCh37 (hg19) VCF-style: chr7-55221771-C-G.
Other names: c.680C>G, p.Pro227Arg (NM_001346897.2, NM_001346899.2); c.815C>G, p.Pro272Arg (NM_001346898.2, NM_201282.2, NM_201283.2 and 1 more transcripts); c.656C>G, p.Pro219Arg (NM_001346900.2); c.89-1752C>G (NM_001346941.2); short protein forms P219R, P227R, P272R.
Identifiers: ClinVar variation 4247351 (VCV004247351.1).

ClinVar aggregate classification (germline): Uncertain significance (1 of 4 stars; one submission).

Conditions:
Hereditary cancer-predisposing syndrome. Also called: Hereditary Cancer Syndrome; Hereditary neoplastic syndrome; Neoplastic Syndromes, Hereditary; Tumor predisposition. Identifiers: Orphanet 140162, MedGen C0027672, MeSH D009386, MONDO:0015356.

Submission:

Ambry Genetics
Classification: Uncertain significance for Hereditary cancer-predisposing syndrome. Last evaluated: 2025-08-20. Review status: criteria provided, single submitter. Criteria: Ambry Variant Classification Scheme 2023. Collection method: clinical testing. Allele origin: germline.
Comment: The p.P272R variant (also known as c.815C>G), located in coding exon 7 of the EGFR gene, results from a C to G substitution at nucleotide position 815. The proline at codon 272 is replaced by arginine, an amino acid with dissimilar properties. This amino acid position is conserved. In addition, this alteration is predicted to be deleterious by in silico analysis. Based on the available evidence, the clinical significance of this variant remains unclear.